The following is an entry in ClinVar:

ClinVar aggregate classification (germline): Uncertain significance (1 of 4 stars; one submission).

Conditions:
Hereditary breast ovarian cancer syndrome. Also called: Hereditary breast and ovarian cancer syndrome; Hereditary breast and ovarian cancer syndrome (HBOC); BRCA1- and BRCA2-Associated Hereditary Breast and Ovarian Cancer; Hereditary breast and ovarian cancer; Hereditary breast and/or ovarian cancer syndrome; Breast and ovarian cancer. Identifiers: Orphanet 145, MedGen C0677776, MeSH D061325, MONDO:0003582. Disease mechanism: loss of function.

Submission:

Labcorp Genetics (formerly Invitae), Labcorp
Classification: Uncertain significance for Hereditary breast ovarian cancer syndrome. Last evaluated: 2020-09-15. Review status: criteria provided, single submitter. Criteria: Invitae Variant Classification Sherloc (09022015). Collection method: clinical testing. Allele origin: germline.
Comment: In summary, the available evidence is currently insufficient to determine the role of this variant in disease. Therefore, it has been classified as a Variant of Uncertain Significance. Experimental studies and prediction algorithms are not available or were not evaluated, and the functional significance of this variant is currently unknown. This variant has not been reported in the literature in individuals with BRCA2-related conditions. This variant is an in-frame deletion of the genomic region encompassing exons 13-14 of the BRCA2 gene. It preserves the integrity of the reading frame.

NC_000013.10:g.(?_32920944)_(32929445_?)del

Gene: BRCA2 (BRCA2 DNA repair associated; plus strand). Cytogenetic location: 13q13.1.
Variant type: Deletion.
Identifiers: ClinVar variation 1039603 (VCV001039603.7).